The following is an entry in ClinVar:

NM_005726.6(TSFM):c.558G>A (p.Leu186=)

Gene: TSFM (Ts translation elongation factor, mitochondrial; plus strand). Cytogenetic location: 12q14.1.
Variant type: single nucleotide variant.
Coding change: c.558G>A on transcript NM_005726.6 (MANE Select); coding-DNA position 558, G replaced by A.
Protein change: p.Leu186=; no amino-acid change (leucine 186 retained).
Molecular consequence: synonymous variant. On other transcripts: intron variant (1).
Genome position (GRCh38, 1-based): chr12:57,793,060, G>A. VCF-style: chr12-57793060-G-A. GRCh37 (hg19) VCF-style: chr12-58186843-G-A.
Other names: c.621G>A, p.Leu207= (NM_001172696.2); c.558G>A, p.Leu186= (NM_001172697.2); c.484-3117G>A (NM_001172695.2).
Identifiers: ClinVar variation 2019443 (VCV002019443.1), dbSNP rs1456682583, ClinGen allele CA480285246.
Genomic context (GRCh38, chr12:57,793,060, plus strand): 5'-CTCTGAGCTTTCTGGACTTCCAGCTGGGCCTGACAGAGAAGGCTCACTCAAGGATCAGTT[G>A]GCTTTAGCAATTGGTGAGTATTTGTAAAGGTTCTGGAAACTGGAAATTAGGGACTGGATC-3'
Protein context (NP_005717.3, residues 176-196): PDREGSLKDQ[Leu186=]ALAIGKLGEN

ClinVar aggregate classification (germline): Uncertain significance (1 of 4 stars; one submission).

Allele frequency attached by ClinVar (database versions not stated): TOPMed below 0.00001; gnomAD 0.00001.
gnomAD v4.1: 1 of 1,613,244 alleles (0.000062%); highest among the groups gnomAD compares: Non-Finnish European, 0.000085%; no homozygotes.

Submission:

Labcorp Genetics (formerly Invitae), Labcorp
Classification: Uncertain significance. Last evaluated: 2022-08-01. Review status: criteria provided, single submitter. Criteria: Invitae Variant Classification Sherloc (09022015). Collection method: clinical testing. Allele origin: germline.
Comment: This sequence change affects codon 207 of the TSFM mRNA. It is a 'silent' change, meaning that it does not change the encoded amino acid sequence of the TSFM protein. This variant is not present in population databases (gnomAD no frequency). This variant has not been reported in the literature in individuals affected with TSFM-related conditions. Algorithms developed to predict the effect of sequence changes on RNA splicing suggest that this variant may disrupt the consensus splice site. In summary, the available evidence is currently insufficient to determine the role of this variant in disease. Therefore, it has been classified as a Variant of Uncertain Significance.